The following is an entry in ClinVar:

ClinVar aggregate classification (germline): Uncertain significance (1 of 4 stars; one submission).

Conditions:
Inborn genetic diseases. Identifiers: MedGen C0950123, MeSH D030342.

Submission:

Ambry Genetics
Classification: Uncertain significance for Inborn genetic diseases. Last evaluated: 2026-01-14. Review status: criteria provided, single submitter. Criteria: Ambry Variant Classification Scheme 2023. Collection method: clinical testing. Allele origin: germline.
Comment: The p.A48T variant (also known as c.142G>A), located in coding exon 1 of the WT1 gene, results from a G to A substitution at nucleotide position 142. The alanine at codon 48 is replaced by threonine, an amino acid with similar properties. This amino acid position is conserved. In addition, this alteration is predicted to be tolerated by in silico analysis. Based on the available evidence, the clinical significance of this variant remains unclear.

NM_024426.6(WT1):c.157G>A (p.Ala53Thr)

Genes: WT1 (WT1 transcription factor; minus strand), LOC107982234 (WT1/WT1-AS bi-directional promoter region; plus strand). Cytogenetic location: 11p13.
Variant type: single nucleotide variant.
Coding change: c.157G>A on transcript NM_024426.6 (MANE Select); coding-DNA position 157, G replaced by A.
Protein change: p.Ala53Thr; replaces alanine 53 with threonine.
Molecular consequence: missense variant. On other transcripts: 5 prime UTR variant (4), non-coding transcript variant (2).
Genome position (GRCh38, 1-based): chr11:32,435,204, C>T on the plus strand (G>A on the coding strand, the complement: WT1 is on the minus strand). VCF-style: chr11-32435204-C-T. GRCh37 (hg19) VCF-style: chr11-32456750-C-T.
Other names: c.157G>A, p.Ala53Thr (NM_000378.6, NM_001407044.1, NM_001407045.1 and 6 more transcripts); c.-63G>A (NM_001429032.1, NM_001429033.1, NM_001429034.1 and 1 more transcripts); short protein forms A48T, A53T.
Identifiers: ClinVar variation 4843814 (VCV004843814.1).